The following is an entry in ClinVar:

NM_000548.5(TSC2):c.3648C>G (p.Leu1216=)

Gene: TSC2 (TSC complex subunit 2; plus strand). Cytogenetic location: 16p13.3.
Variant type: single nucleotide variant.
Coding change: c.3648C>G on transcript NM_000548.5 (MANE Select); coding-DNA position 3648, C replaced by G.
Protein change: p.Leu1216=; no amino-acid change (leucine 1216 retained).
Molecular consequence: synonymous variant.
Genome position (GRCh38, 1-based): chr16:2,081,632, C>G. VCF-style: chr16-2081632-C-G. GRCh37 (hg19) VCF-style: chr16-2131633-C-G.
Other names: c.3516C>G, p.Leu1172= (NM_001077183.3, NM_001370404.1); c.3648C>G, p.Leu1216= (NM_001114382.3); c.3408C>G, p.Leu1136= (NM_001318827.2); c.3372C>G, p.Leu1124= (NM_001318829.2); c.2916C>G, p.Leu972= (NM_001318831.2); c.3549C>G, p.Leu1183= (NM_001318832.2); c.3519C>G, p.Leu1173= (NM_001363528.2, NM_001370405.1, NM_021055.3).
Identifiers: ClinVar variation 1106968 (VCV001106968.12), dbSNP rs777246414, ClinGen allele CA493043014.

ClinVar aggregate classification (germline): Benign/Likely benign. Review status: criteria provided, multiple submitters, no conflicts (2 of 4 stars). 3 submissions from 3 submitters: Benign (1); Likely benign (2). Last evaluated 2025-05-30.

Conditions:
Tuberous sclerosis 2 (TSC2). Identifiers: Orphanet 805, MedGen C1860707, MONDO:0013199, OMIM 613254.
Hereditary cancer-predisposing syndrome. Also called: Hereditary neoplastic syndrome; Tumor predisposition; Neoplastic Syndromes, Hereditary; Hereditary Cancer Syndrome. Identifiers: Orphanet 140162, MedGen C0027672, MeSH D009386, MONDO:0015356.

Submissions (3):

Myriad Genetics, Inc.
Classification: Benign for Tuberous sclerosis 2. Last evaluated: 2025-05-30. Review status: criteria provided, single submitter. Criteria: Myriad Autosomal Dominant, Autosomal Recessive and X-Linked Classification Criteria (2023). Collection method: clinical testing. Allele origin: unknown.
Comment: This variant is considered benign. This variant is a silent/synonymous amino acid change and it is not expected to impact splicing.

Labcorp Genetics (formerly Invitae), Labcorp
Classification: Likely benign for Tuberous sclerosis 2. Last evaluated: 2025-02-26. Review status: criteria provided, single submitter. Criteria: Invitae Variant Classification Sherloc (09022015). Collection method: clinical testing. Allele origin: germline.

Ambry Genetics
Classification: Likely benign for Hereditary cancer-predisposing syndrome. Last evaluated: 2022-03-15. Review status: criteria provided, single submitter. Criteria: Ambry Variant Classification Scheme 2023. Collection method: clinical testing. Allele origin: germline.